The following is an entry in ClinVar:

ClinVar aggregate classification (germline): Uncertain significance (1 of 4 stars; one submission).

Allele frequency attached by ClinVar (database versions not stated): gnomAD exomes below 0.00001.
gnomAD v4.1: 1 of 1,613,636 alleles (0.000062%); highest among the groups gnomAD compares: Non-Finnish European, 0.000085%; no homozygotes.

Submission:

CeGaT Center for Human Genetics Tuebingen
Classification: Uncertain significance. Last evaluated: 2022-10-01. Review status: criteria provided, single submitter. Criteria: CeGaT Center For Human Genetics Tuebingen Variant Classification Criteria Version 2. Collection method: clinical testing. Allele origin: germline. Affected: yes. Observed: 1 variant allele.
Comment: FANCI: PM2, BP4

NM_001113378.2(FANCI):c.727C>G (p.Gln243Glu)

Gene: FANCI (FA complementation group I; plus strand). Cytogenetic location: 15q26.1.
Variant type: single nucleotide variant.
Coding change: c.727C>G on transcript NM_001113378.2 (MANE Select); coding-DNA position 727, C replaced by G.
Protein change: p.Gln243Glu; replaces glutamine 243 with glutamic acid.
Molecular consequence: missense variant.
Genome position (GRCh38, 1-based): chr15:89,264,579, C>G. VCF-style: chr15-89264579-C-G. GRCh37 (hg19) VCF-style: chr15-89807810-C-G.
Other names: c.448C>G, p.Gln150Glu (NM_001376910.1); c.727C>G, p.Gln243Glu (NM_001376911.1, NM_018193.3); short protein forms Q150E, Q243E.
Identifiers: ClinVar variation 2645679 (VCV002645679.24), dbSNP rs2505984310, ClinGen allele CA393739575.